The following is an entry in ClinVar:

NM_001378477.3(NYX):c.544G>C (p.Ala182Pro)

Gene: NYX (nyctalopin; plus strand). Cytogenetic location: Xp11.4.
Variant type: single nucleotide variant.
Coding change: c.544G>C on transcript NM_001378477.3 (MANE Select); coding-DNA position 544, G replaced by C.
Protein change: p.Ala182Pro; replaces alanine 182 with proline.
Molecular consequence: missense variant.
Genome position (GRCh38, 1-based): chrX:41,474,012, G>C. VCF-style: chrX-41474012-G-C. GRCh37 (hg19) VCF-style: chrX-41333265-G-C.
Other names: c.544G>C, p.Ala182Pro (NM_022567.3); short protein forms A182P.
Identifiers: ClinVar variation 3367202 (VCV003367202.2).

ClinVar aggregate classification (germline): Uncertain significance (1 of 4 stars; one submission).

Conditions:
Congenital stationary night blindness 1A (CSNB1A). Also called: MYOPIA-NIGHT BLINDNESS; NIGHT BLINDNESS, CONGENITAL STATIONARY, WITH MYOPIA; CSNB, COMPLETE, X-LINKED; HEMERALOPIA-MYOPIA; Night blindness, congenital stationary (complete), 1A, X-linked; NYX-Related X-Linked Congenital Stationary Night Blindness. Identifiers: Orphanet 215, MedGen C3495587, MONDO:0010690, OMIM 310500.

Submission:

SN ONGC Dept of Genetics and Molecular biology Vision Research Foundation
Classification: Uncertain significance for Congenital stationary night blindness 1A. Last evaluated: 2024-10-28. Review status: criteria provided, single submitter. Criteria: ACMG Guidelines, 2015. Collection method: research. Allele origin: germline. Inheritance: X-linked recessive inheritance. Affected: yes. Observed: 1 hemizygote.
Comment: The p.(A187P) variant in NYX has been identified in an Indian study exhibiting an X-Linked recessive inheritance pattern. The p.(A187P) variant in NYX has been identified in an hemizygous state from an Indian study exhibiting an X-Linked recessive inheritance pattern. The p.(A187P) variant has not been reported in the 1000 genomes, gnomAD (v3.1.2). There is no supporting functional evidence for the identified variant. In summary, the available evidence is currently insufficient to determine the role of this variant in disease. Therefore, it has been classified as a Variant of Uncertain Significance